The following is an entry in ClinVar:

NM_024301.5(FKRP):c.1006_1174del (p.Ala336fs)

Gene: FKRP (fukutin related protein; plus strand). Cytogenetic location: 19q13.32.
Variant type: Deletion.
Coding change: c.1006_1174del on transcript NM_024301.5 (MANE Select); coding-DNA positions 1006 to 1174, 169 bases deleted.
Protein change: p.Ala336fs; shifts the reading frame from alanine 336.
Molecular consequence: frameshift variant.
Genome position (GRCh38, 1-based): chr19:46,756,456-46,756,624, 169 bases deleted. GRCh37 (hg19): chr19:47,259,713-47,259,881.
Other names: c.1006_1174del, p.Ala336fs (NM_001039885.3); short protein forms A336fs.
Identifiers: ClinVar variation 804808 (VCV000804808.1), dbSNP rs1599938271, ClinGen allele CA915951961.

ClinVar aggregate classification (germline): Likely pathogenic (1 of 4 stars; one submission).

Submission:

Athena Diagnostics
Classification: Likely pathogenic. Last evaluated: 2018-12-03. Review status: criteria provided, single submitter. Criteria: Athena Diagnostics Criteria. Collection method: clinical testing. Allele origin: germline.
Comment: The variant results in a shift of the reading frame, and is therefore predicted to result in the loss of a functional protein. Not found in the total gnomAD dataset, and the data is high quality (0/171912 chr).

Literature cited by the submitters: PubMed 21296577.